The following is an entry in ClinVar:

NM_006939.4(SOS2):c.1709C>T (p.Pro570Leu)

Gene: SOS2 (SOS Ras/Rho guanine nucleotide exchange factor 2; minus strand). Cytogenetic location: 14q21.3.
Variant type: single nucleotide variant.
Coding change: c.1709C>T on transcript NM_006939.4 (MANE Select); coding-DNA position 1709, C replaced by T.
Protein change: p.Pro570Leu; replaces proline 570 with leucine.
Molecular consequence: missense variant.
Genome position (GRCh38, 1-based): chr14:50,159,574, G>A on the plus strand (C>T on the coding strand, the complement: SOS2 is on the minus strand). VCF-style: chr14-50159574-G-A. GRCh37 (hg19) VCF-style: chr14-50626292-G-A.
Other names: c.1610C>T, p.Pro537Leu (NM_001411020.1); short protein forms P570L, P537L.
Identifiers: ClinVar variation 3799928 (VCV003799928.1).

ClinVar aggregate classification (germline): Uncertain significance (1 of 4 stars; one submission).

Conditions:
Cardiovascular phenotype. Identifiers: MedGen CN230736.

gnomAD v4.1: 4 of 1,613,834 alleles (0.00025%); highest among the groups gnomAD compares: Non-Finnish European, 0.00034%; no homozygotes.

Submission:

Ambry Genetics
Classification: Uncertain significance for Cardiovascular phenotype. Last evaluated: 2025-02-27. Review status: criteria provided, single submitter. Criteria: Ambry Variant Classification Scheme 2023. Collection method: clinical testing. Allele origin: germline.
Comment: The p.P570L variant (also known as c.1709C>T), located in coding exon 10 of the SOS2 gene, results from a C to T substitution at nucleotide position 1709. The proline at codon 570 is replaced by leucine, an amino acid with similar properties. This amino acid position is conserved. In addition, the in silico prediction for this alteration is inconclusive. Based on the available evidence, the clinical significance of this variant remains unclear.